The following is an entry in ClinVar:

NM_001291415.2(KDM6A):c.200C>T (p.Ala67Val)

Gene: KDM6A (lysine demethylase 6A; plus strand). Cytogenetic location: Xp11.3.
Variant type: single nucleotide variant.
Coding change: c.200C>T on transcript NM_001291415.2 (MANE Select); coding-DNA position 200, C replaced by T.
Protein change: p.Ala67Val; replaces alanine 67 with valine.
Molecular consequence: missense variant. On other transcripts: 5 prime UTR variant (1), non-coding transcript variant (1).
Genome position (GRCh38, 1-based): chrX:44,873,962, C>T. VCF-style: chrX-44873962-C-T. GRCh37 (hg19) VCF-style: chrX-44733208-C-T.
Other names: c.200C>T, p.Ala67Val (NM_001291416.2, NM_001291417.2, NM_001291418.2 and 9 more transcripts); c.-433C>T (NM_001291421.2); c.200C>T (NM_021140.2); short protein forms A67V.
Identifiers: ClinVar variation 2802091 (VCV002802091.4), dbSNP rs2031156846, ClinGen allele CA413020518.

ClinVar aggregate classification (germline): Uncertain significance. Review status: criteria provided, multiple submitters, no conflicts (2 of 4 stars). 2 submissions from 2 submitters: Uncertain significance (2). Last evaluated 2025-05-02.

Conditions:
Kabuki syndrome 2 (KABUK2). Also called: KDM6A-Related Kabuki Syndrome. Identifiers: Orphanet 2322, MedGen C3275495, MONDO:0010465, OMIM 300867.

Allele frequency attached by ClinVar (database versions not stated): gnomAD exomes below 0.00001.
gnomAD v4.1: 1 of 1,211,275 alleles (0.000083%); highest among the groups gnomAD compares: African/African-American, 0.0017%; no homozygotes.

Submissions (2):

GeneDx
Classification: Uncertain significance. Last evaluated: 2025-05-02. Review status: criteria provided, single submitter. Criteria: GeneDx Variant Classification Process June 2021. Collection method: clinical testing. Allele origin: germline. Affected: yes.
Comment: Not observed at significant frequency in large population cohorts (gnomAD); In silico analysis supports that this missense variant has a deleterious effect on protein structure/function; Has not been previously published as pathogenic or benign to our knowledge

Labcorp Genetics (formerly Invitae), Labcorp
Classification: Uncertain significance for Kabuki syndrome 2. Last evaluated: 2022-11-05. Review status: criteria provided, single submitter. Criteria: Invitae Variant Classification Sherloc (09022015). Collection method: clinical testing. Allele origin: germline.
Comment: This variant is not present in population databases (gnomAD no frequency). In summary, the available evidence is currently insufficient to determine the role of this variant in disease. Therefore, it has been classified as a Variant of Uncertain Significance. Advanced modeling of protein sequence and biophysical properties (such as structural, functional, and spatial information, amino acid conservation, physicochemical variation, residue mobility, and thermodynamic stability) performed at Invitae indicates that this missense variant is not expected to disrupt KDM6A protein function. This variant has not been reported in the literature in individuals affected with KDM6A-related conditions. This sequence change replaces alanine, which is neutral and non-polar, with valine, which is neutral and non-polar, at codon 67 of the KDM6A protein (p.Ala67Val).